The following is an entry in ClinVar:

NM_000504.4(F10):c.837C>A (p.Tyr279Ter)

Genes: F10 (coagulation factor X; plus strand), F10-AS2 (F10 antisense RNA 2; minus strand). Cytogenetic location: 13q34.
Variant type: single nucleotide variant.
Coding change: c.837C>A on transcript NM_000504.4 (MANE Select); coding-DNA position 837, C replaced by A.
Protein change: p.Tyr279Ter; replaces tyrosine 279 with a stop codon.
Molecular consequence: nonsense.
Genome position (GRCh38, 1-based): chr13:113,147,468, C>A. VCF-style: chr13-113147468-C-A. GRCh37 (hg19) VCF-style: chr13-113801782-C-A.
Other names: c.705C>A, p.Tyr235Ter (NM_001312674.2); c.837C>A, p.Tyr279Ter (NM_001312675.2); short protein forms Y235*, Y279*.
Identifiers: ClinVar variation 1684490 (VCV001684490.1), dbSNP rs1250509122, ClinGen allele CA388791227.

ClinVar aggregate classification (germline): Pathogenic (0 of 4 stars; one submission).

Conditions:
Hereditary factor X deficiency disease. Also called: Congenital factor X deficiency; STUART-PROWER FACTOR DEFICIENCY. Identifiers: Orphanet 328, MedGen C0272327, MONDO:0009212, OMIM 227600.

Allele frequency attached by ClinVar (database versions not stated): gnomAD exomes below 0.00001.
gnomAD v4.1: 11 of 1,613,688 alleles (0.00068%); highest among the groups gnomAD compares: Non-Finnish European, 0.00093%; no homozygotes.

Submission:

ISTH-SSC Genomics in Thrombosis and Hemostasis, KU Leuven, Center for Molecular and Vascular Biology
Classification: Pathogenic for Hereditary factor X deficiency disease. Review status: no assertion criteria provided. Collection method: research. Allele origin: unknown. Affected: yes.
Comment: Submitted to GoldVariant by Dr Karyn Mégy from NIHR Bioresource - Cambridge University, UK